The following is an entry in ClinVar:

ClinVar aggregate classification (germline): Pathogenic (1 of 4 stars; one submission).

Conditions:
Inborn genetic diseases. Identifiers: MedGen C0950123, MeSH D030342.

Submission:

Ambry Genetics
Classification: Pathogenic for Inborn genetic diseases. Last evaluated: 2020-10-30. Review status: criteria provided, single submitter. Criteria: Ambry Variant Classification Scheme 2023. Collection method: clinical testing. Allele origin: germline.
Comment: The c.494delG (p.G165Vfs*36) alteration, located in exon 5 (coding exon 5) of the LSS gene, consists of a deletion of one nucleotide at position 494, causing a translational frameshift with a predicted alternate stop codon after 36 amino acids. This alteration is expected to result in loss of function by premature protein truncation or nonsense-mediated mRNA decay. Based on the available evidence, this alteration is classified as pathogenic.

NM_002340.6(LSS):c.494del (p.Gly165fs)

Gene: LSS (lanosterol synthase; minus strand). Cytogenetic location: 21q22.3.
Variant type: Deletion.
Coding change: c.494del on transcript NM_002340.6 (MANE Select); coding-DNA position 494, one base deleted (G; older notation c.494delG).
Protein change: p.Gly165fs; shifts the reading frame from glycine 165.
Molecular consequence: frameshift variant.
Genome position (GRCh38, 1-based): chr21:46,221,910, C deleted on the plus strand (G on the coding strand, the reverse complement: LSS is on the minus strand); the first of 3 consecutive C bases (chr21:46,221,910-46,221,912); deleting any one gives the same sequence. VCF-style (leftmost placement, unchanged base first): chr21-46221909-AC-A. GRCh37 (hg19) VCF-style: chr21-47641823-AC-A.
Other names: c.494del, p.Gly165fs (NM_001001438.3); c.461del, p.Gly154fs (NM_001145436.2); c.254del, p.Gly85fs (NM_001145437.2); short protein forms G165fs, G154fs, G85fs.
Identifiers: ClinVar variation 2227722 (VCV002227722.2), dbSNP rs2080284670, ClinGen allele CA645611599.